The following is an entry in ClinVar:

NM_001101362.3(KBTBD13):c.1150G>A (p.Gly384Ser)

Gene: KBTBD13 (kelch repeat and BTB domain containing 13; plus strand). Cytogenetic location: 15q22.31.
Variant type: single nucleotide variant.
Coding change: c.1150G>A on transcript NM_001101362.3 (MANE Select); coding-DNA position 1150, G replaced by A.
Protein change: p.Gly384Ser; replaces glycine 384 with serine.
Molecular consequence: missense variant.
Genome position (GRCh38, 1-based): chr15:65,077,965, G>A. VCF-style: chr15-65077965-G-A. GRCh37 (hg19) VCF-style: chr15-65370303-G-A.
Other names: short protein forms G384S.
Identifiers: ClinVar variation 2154109 (VCV002154109.5), dbSNP rs766259231, ClinGen allele CA7614090.

ClinVar aggregate classification (germline): Uncertain significance. Review status: criteria provided, multiple submitters, no conflicts (2 of 4 stars). 2 submissions from 2 submitters: Uncertain significance (2). Last evaluated 2025-08-27.

Conditions:
Nemaline myopathy 6 (NEM6). Also called: Nemaline myopathy 6, autosomal dominant. Identifiers: Orphanet 171439, MedGen C1836472, MONDO:0012237, OMIM 609273.
Inborn genetic diseases. Identifiers: MedGen C0950123, MeSH D030342.

Submissions (2):

Ambry Genetics
Classification: Uncertain significance for Inborn genetic diseases. Last evaluated: 2025-08-27. Review status: criteria provided, single submitter. Criteria: Ambry Variant Classification Scheme 2023. Collection method: clinical testing. Allele origin: germline.

Labcorp Genetics (formerly Invitae), Labcorp
Classification: Uncertain significance for Nemaline myopathy 6. Last evaluated: 2024-08-21. Review status: criteria provided, single submitter. Criteria: Invitae Variant Classification Sherloc (09022015). Collection method: clinical testing. Allele origin: germline.
Comment: This sequence change replaces glycine, which is neutral and non-polar, with serine, which is neutral and polar, at codon 384 of the KBTBD13 protein (p.Gly384Ser). This variant is present in population databases (rs766259231, gnomAD 0.02%). This variant has not been reported in the literature in individuals affected with KBTBD13-related conditions. ClinVar contains an entry for this variant (Variation ID: 2154109). An algorithm developed to predict the effect of missense changes on protein structure and function (PolyPhen-2) suggests that this variant is likely to be disruptive. In summary, the available evidence is currently insufficient to determine the role of this variant in disease. Therefore, it has been classified as a Variant of Uncertain Significance.